The following is an entry in ClinVar:

NM_000203.5(IDUA):c.1727+3G>C

Gene: IDUA (alpha-L-iduronidase; plus strand). Cytogenetic location: 4p16.3.
Variant type: single nucleotide variant.
Coding change: c.1727+3G>C on transcript NM_000203.5 (MANE Select); 3 bases into the intron after coding-DNA position 1727, G replaced by C.
Molecular consequence: intron variant. On other transcripts: non-coding transcript variant (1).
Genome position (GRCh38, 1-based): chr4:1,003,628, G>C. VCF-style: chr4-1003628-G-C. GRCh37 (hg19) VCF-style: chr4-997416-G-C.
Other names: c.1331+3G>C (NM_001363576.1).
Identifiers: ClinVar variation 4817926 (VCV004817926.2).

ClinVar aggregate classification (germline): Conflicting classifications of pathogenicity. Review status: criteria provided, conflicting classifications (1 of 4 stars). 2 submissions from 2 submitters: Likely pathogenic (1); Uncertain significance (1). Last evaluated 2025-12-23.

Conditions:
Mucopolysaccharidosis type 1. Also called: IDUA deficiency; MPS I; Mucopolysaccharidosis Type I. Identifiers: Orphanet 579, MedGen C0023786, MONDO:0001586.

gnomAD v4.1: 1 of 1,612,290 alleles (0.000062%); highest among the groups gnomAD compares: Non-Finnish European, 0.000085%; no homozygotes.

Submissions (2):

Myriad Genetics, Inc.
Classification: Uncertain significance for Mucopolysaccharidosis type 1. Last evaluated: 2025-12-23. Review status: criteria provided, single submitter. Criteria: Myriad Autosomal Dominant, Autosomal Recessive and X-Linked Classification Criteria (2023). Collection method: clinical testing. Allele origin: unknown.
Comment: NM_000203.3(IDUA):c.1727+3G>C is an intronic variant classified as a variant of uncertain significance in the context of mucopolysaccharidosis type I. c.1727+3G>C has been observed in a case with relevant disease (PMID: 21831683). Relevant functional assessments of this variant are available in the literature (PMID: 21831683). c.1727+3G>C has been observed in referenced population frequency databases. In summary, there is insufficient evidence to classify NM_000203.3(IDUA):c.1727+3G>C as pathogenic or benign. Please note: this variant was assessed in the context of healthy population screening.

Natera, Inc.
Classification: Likely pathogenic for Mucopolysaccharidosis type I. Last evaluated: 2025-07-17. Review status: criteria provided, single submitter. Criteria: Natera Variant Classification Schema (03/2026). Collection method: clinical testing. Allele origin: germline.
Comment: The c.1727+3G>C variant in IDUA is an intronic variant located outside the canonical splice sites. This variant is rare in the general population with a frequency below the threshold expected for the associated phenotype(s). This variant has been observed in one or more individuals affected with the associated recessive disease, as either homozygous or compound heterozygous with a second variant (PMID: 21831683). Functional studies show that this variant may disrupt protein function (PMID: 21831683). Computational prediction algorithms indicate this variant is likely to affect gene or protein function. Given the available evidence, this variant is classified as Likely Pathogenic.

Literature cited by the submitters: PubMed 21831683 (cited by Myriad Genetics, Inc. and Natera, Inc.).